The following is an entry in ClinVar:

ClinVar aggregate classification (germline): Conflicting classifications of pathogenicity. Review status: criteria provided, conflicting classifications (1 of 4 stars). 10 submissions from 10 submitters: Uncertain significance (1); Benign (5); Likely benign (3). 1 of the submissions does not count toward it. Last evaluated 2026-06-01.

Conditions:
Hirschsprung disease, susceptibility to, 2. Identifiers: Orphanet 388, MedGen C1838564, MONDO:0010833, OMIM 600155.

Allele frequency attached by ClinVar (database versions not stated): gnomAD 0.00456 and 0.00475; gnomAD exomes 0.00513 and 0.00659; ExAC 0.00652; 1000 Genomes Project 0.00180; 1000 Genomes Project 30x 0.00250; TOPMed 0.00383.
gnomAD v4.1: 10,131 of 1,597,292 alleles (0.63%); highest among the groups gnomAD compares: Non-Finnish European, 0.78%; 45 homozygotes.

Submissions (10):

CeGaT Center for Human Genetics Tuebingen
Classification: Likely benign. Last evaluated: 2026-06-01. Review status: criteria provided, single submitter. Criteria: CeGaT Center For Human Genetics Tuebingen Variant Classification Criteria Version 2. Collection method: clinical testing. Allele origin: germline. Affected: yes. Observed: 10 variant alleles.
Comment: EDNRB: BP4, BS2

Labcorp Genetics (formerly Invitae), Labcorp
Classification: Benign. Last evaluated: 2026-02-01. Review status: criteria provided, single submitter. Criteria: Invitae Variant Classification Sherloc (09022015). Collection method: clinical testing. Allele origin: germline.

Athena Diagnostics
Classification: Benign. Last evaluated: 2018-12-10. Review status: criteria provided, single submitter. Criteria: Athena Diagnostics Criteria. Collection method: clinical testing. Allele origin: germline.

GeneDx
Classification: Benign. Last evaluated: 2018-05-22. Review status: criteria provided, single submitter. Criteria: GeneDx Variant Classification Process June 2021. Collection method: clinical testing. Allele origin: germline. Affected: yes.
Comment: This variant is associated with the following publications: (PMID: 21507037, 9760196, 8630503, 16618617, 24633486, 9721987, 9035203, 27148356, 16145050, 20031584, 16855133, 11302967, 10192234, 11471546, 8852660, 18758497, 16002759)

Eurofins Ntd Llc (ga)
Classification: Benign. Last evaluated: 2017-06-22. Review status: criteria provided, single submitter. Criteria: EGL Classification Definitions 2015. Collection method: clinical testing. Allele origin: germline. Observed: 2 variant alleles, 2 heterozygotes.

Illumina Laboratory Services, Illumina
Classification: Likely benign for Hirschsprung disease, susceptibility to, 2. Last evaluated: 2017-04-27. Review status: criteria provided, single submitter. Criteria: ICSL Variant Classification Criteria 13 December 2019. Collection method: clinical testing. Allele origin: germline.
Comment: This variant was observed as part of a predisposition screen in an ostensibly healthy population. A literature search was performed for the gene, cDNA change, and amino acid change (where applicable). No publications were found based on this search. Allele frequency data from public databases allowed determination this variant is unlikely to cause disease. Therefore, this variant is classified as likely benign.

Center for Pediatric Genomic Medicine, Children's Mercy Hospital and Clinics
Classification: Uncertain significance. Last evaluated: 2015-02-10. Review status: criteria provided, single submitter. Criteria: ACMG Guidelines, 2015. Collection method: clinical testing. Allele origin: germline.
ClinVar note: Converted during submission from Uncertain Significance to Uncertain significance.

Laboratory for Molecular Medicine, Mass General Brigham Personalized Medicine
Classification: Benign. Last evaluated: 2015-01-13. Review status: criteria provided, single submitter. Criteria: LMM Criteria. Collection method: clinical testing. Allele origin: germline. Observed: 9 variant alleles.
Comment: p.Gly147Ser in exon 2 of EDNRB: This variant is not expected to have clinical si gnificance because it has been identified in 0.9% (76/8600) of European American chromosomes from a broad population by the NHLBI Exome Sequencing Project (dbSNP rs1801710).

PreventionGenetics, part of Exact Sciences
Classification: Likely benign. Review status: criteria provided, single submitter. Criteria: ACMG Guidelines, 2015. Collection method: clinical testing. Allele origin: germline.

OMIM
Classification: risk factor for HIRSCHSPRUNG DISEASE, SUSCEPTIBILITY TO, 2. Last evaluated: 1998-08-01. Review status: no assertion criteria provided. Collection method: literature only. Allele origin: germline. Not counted in ClinVar's aggregate classification.

Literature cited by the submitters: PubMed 9760196 (cited by OMIM); Hofstra, R. M. W., Osinga, J., Buys, C. H. C. M. Mutations in Hirschsprung disease: when does a mutation contribute to the phenotype? Europ. J. Hum. Genet. 5: 180-185, 1997. (cited by OMIM); PubMed 8001158 (cited by OMIM).

NM_001122659.3(EDNRB):c.169G>A (p.Gly57Ser)

Gene: EDNRB (endothelin receptor type B; minus strand). Cytogenetic location: 13q22.3.
Variant type: single nucleotide variant.
Coding change: c.169G>A on transcript NM_001122659.3 (MANE Select); coding-DNA position 169, G replaced by A.
Protein change: p.Gly57Ser; replaces glycine 57 with serine.
Molecular consequence: missense variant.
Genome position (GRCh38, 1-based): chr13:77,918,405, C>T on the plus strand (G>A on the coding strand, the complement: EDNRB is on the minus strand). VCF-style: chr13-77918405-C-T. GRCh37 (hg19) VCF-style: chr13-78492540-C-T.
Other names: c.169G>A, p.Gly57Ser (NM_000115.5, NM_003991.4); c.439G>A, p.Gly147Ser (NM_001201397.2); short protein forms G57S, G147S.
Identifiers: ClinVar variation 16637 (VCV000016637.69), dbSNP rs1801710, ClinGen allele CA257561.